The following is an entry in ClinVar:

ClinVar aggregate classification (germline): Likely benign. Review status: criteria provided, single submitter (1 of 4 stars). 2 submissions from 2 submitters: Likely benign (1). 1 of the submissions does not count toward it. Last evaluated 2024-12-09.

Conditions:
FAT4-related disorder. Also called: FAT4-related condition.

Submissions (2):

Labcorp Genetics (formerly Invitae), Labcorp
Classification: Likely benign. Last evaluated: 2024-12-09. Review status: criteria provided, single submitter. Criteria: Invitae Variant Classification Sherloc (09022015). Collection method: clinical testing. Allele origin: germline.

PreventionGenetics, part of Exact Sciences
Classification: Likely benign for FAT4-related condition. Last evaluated: 2023-11-03. Review status: no assertion criteria provided. Collection method: clinical testing. Allele origin: germline. Not counted in ClinVar's aggregate classification.
Comment: This variant is classified as likely benign based on ACMG/AMP sequence variant interpretation guidelines (Richards et al. 2015 PMID: 25741868, with internal and published modifications).

NM_001291303.3(FAT4):c.4425A>G (p.Lys1475=)

Gene: FAT4 (FAT atypical cadherin 4; plus strand). Cytogenetic location: 4q28.1.
Variant type: single nucleotide variant.
Coding change: c.4425A>G on transcript NM_001291303.3 (MANE Select); coding-DNA position 4425, A replaced by G.
Protein change: p.Lys1475=; no amino-acid change (lysine 1475 retained).
Molecular consequence: synonymous variant.
Genome position (GRCh38, 1-based): chr4:125,320,836, A>G. VCF-style: chr4-125320836-A-G. GRCh37 (hg19) VCF-style: chr4-126241991-A-G.
Other names: c.4425A>G, p.Lys1475= (NM_001291285.3, NM_024582.6).
Identifiers: ClinVar variation 3031671 (VCV003031671.4), dbSNP rs2530451461, ClinGen allele CA441368562.
Genomic context (GRCh38, chr4:125,320,836, plus strand): 5'-ATCCTACACAATCATTCAACAGATGCCAAGAGGCAACCACTTTACCATAGATGAAGTCAA[A>G]GGGACTATATATACTAATGCTGAAATAGATCGGGAATTTGCTAATCTCTTTGAGTTGACT-3'
Protein context (NP_001278232.1, residues 1465-1485): RGNHFTIDEV[Lys1475=]GTIYTNAEID